The following is an entry in ClinVar:

ClinVar aggregate classification (germline): Uncertain significance. Review status: reviewed by expert panel (3 of 4 stars). 15 submissions from 15 submitters: Uncertain significance (1). 14 of the submissions do not count toward it. Last evaluated 2026-08-27.

Conditions:
Glycogen storage disease, type II (IOPD). Also called: POMPE DISEASE, INFANTILE-ONSET; GLYCOGEN STORAGE DISEASE II, INFANTILE-ONSET; ACID ALPHA-GLUCOSIDASE DEFICIENCY, INFANTILE-ONSET; GAA DEFICIENCY, INFANTILE-ONSET; ACID MALTASE DEFICIENCY, INFANTILE-ONSET; CARDIOMEGALIA GLYCOGENICA DIFFUSA. Identifiers: Orphanet 365, MedGen C0017921, MONDO:0009290, OMIM 232300.
GAA-related disorders.

Allele frequency attached by ClinVar (database versions not stated): TOPMed 0.00002; gnomAD exomes 0.00009 and 0.00010; ExAC 0.00006; gnomAD 0.00007; ESP Exome Variant Server 0.00008.
gnomAD v4.1: 138 of 1,613,430 alleles (0.0086%); highest among the groups gnomAD compares: Non-Finnish European, 0.0083%; no homozygotes.

Submissions 1 to 9 of 15:

ClinGen Lysosomal Storage Disorder Variant Curation Expert Panel
Classification: Uncertain significance for Glycogen storage disease, type II. Last evaluated: 2026-08-27. Review status: reviewed by expert panel. Criteria: clingen_lsd_acmg_specifications_v2-1. Collection method: curation. Allele origin: germline. Inheritance: Autosomal recessive inheritance.
Comment: The NM_000152.5(GAA):c.1048G>A variant in GAA is a missense variant predicted to cause substitution of valine by methionine at amino acid 350 (p.Val350Met). This variant has been detected in at least 12 individuals, and at least 11 patients with this variant had documented GAA deficiency with activity in the affected range in dried blood spot (Clinical Laboratory data, PMIDs: 25451853, 33073007, 36310651, 36246652). However, due to the absence of clinical symptoms supporting a diagnosis of Pompe disease, PP4 was not applied. Of those individuals, 1 was homozygous for the variant, and 11 were compound heterozygous for the variant and another variant in GAA including c.-32-13T>G (ClinVar Variation ID: 4027, pathogenic based on classification by the ClinGen LD VCEP, 9 patients, Clinical laboratory data, PMID:25451853, 1 patient confirmed in trans), c.2051C>T (p.Pro684Leu) (1 patient, PMID:36310651, phase unknown), c.1589del (p.Glu530GlyfsTer48) (1 patient, PMID: 36246652, phase unknown), and c.2238G>C (p.Trp746Cys) (2 patients, one confirmed in trans and one with a pseudodeficiency allele, Clinical Laboratory data). The allelic data from these patients was not included at this time due to the caveats noted for PP4 (PM3_not met). When expressed in HEK293 cells, GAA enzyme activity was 1.5% of the positive control, and Western blot revealed a faint precursor (110 k Da) and mature (76 kDa) protein bands with lower intensity compared to the positive control, indicating this variant may be impacting GAA protein stability and processing ( PMID: 36246652) (PS3_Supporting). The highest population minor allele frequency in gnomAD v4.1.0 is 0.00008305 (90/1180054 alleles) in the European non-Finnish population, which is lower than the ClinGen LD VCEP’s threshold for PM2_Supporting (<0.001), meeting this criterion (PM2_Supporting). The computational predictor REVEL gives a score of 0.878 which is above the threshold of 0.7, evidence that correlates with impact to GAA function (PP3). There is a ClinVar entry for this variant (Variation ID: 555998). In summary, while individuals with this variant have been reported with deficient GAA activity on newborn screen, and the variant has been found in compound heterozygosity with pathogenic and likely pathogenic variants in GAA, the Lysosomal Diseases VCEP concluded that there is insufficient phenotypic evidence to indicate that this variant causes Pompe disease at this time. Therefore, this variant will be classified as a variant of uncertain significance until further evidence is available. GAA-specific ACMG/AMP criteria applied, as specified by the ClinGen Lysosomal Diseases Variant Curation Expert Panel (Specifications Version 2.0.0): PS3_Supporting, PP3, PM2_Supporting. (Classification approved by the ClinGen Lysosomal Diseases Variant Curation Expert Panel on August 27, 2026).

Genomenon, Inc
Classification: Likely pathogenic for Glycogen storage disease, type II. Last evaluated: 2026-07-01. Review status: criteria provided, single submitter. Criteria: Genomenon Sequence Variant Interpretation Standards - Updated. Collection method: curation. Allele origin: germline. Affected: yes. Not counted in ClinVar's aggregate classification.
Comment: GAA p.Val350Met (c.1048G>A) is a missense variant that changes the amino acid at codon 350 from Valine to Methionine. This variant has been observed in at least one proband with a GAA-related disorder in the compound heterozygous and/or homozygous state (PMID:36310651;25451853). At least one functional study has demonstrated a substantial alteration in protein function relative to the wild-type (PMID:36246652). It is absent or not present at a significant frequency in gnomAD. In silico models predict that this variant is possibly or probably damaging. In conclusion, we classify GAA p.Val350Met (c.1048G>A) as a likely pathogenic variant.

Labcorp Genetics (formerly Invitae), Labcorp
Classification: Pathogenic for Glycogen storage disease, type II. Last evaluated: 2026-02-02. Review status: criteria provided, single submitter. Criteria: Invitae Variant Classification Sherloc (09022015). Collection method: clinical testing. Allele origin: germline. Not counted in ClinVar's aggregate classification.
Comment: This sequence change replaces valine, which is neutral and non-polar, with methionine, which is neutral and non-polar, at codon 350 of the GAA protein (p.Val350Met). This variant is present in population databases (rs200412003, gnomAD 0.05%). This missense change has been observed in individual(s) with Pompe disease (PMID: 23430949, 25451853, 36246652). In at least one individual the data is consistent with being in trans (on the opposite chromosome) from a pathogenic variant. ClinVar contains an entry for this variant (Variation ID: 555998). Invitae Evidence Modeling of protein sequence and biophysical properties (such as structural, functional, and spatial information, amino acid conservation, physicochemical variation, residue mobility, and thermodynamic stability) indicates that this missense variant is expected to disrupt GAA protein function with a positive predictive value of 95%. Experimental studies have shown that this missense change affects GAA function (PMID: 36246652). For these reasons, this variant has been classified as Pathogenic.

Natera, Inc.
Classification: Likely pathogenic for Glycogen storage disease type II. Last evaluated: 2025-07-17. Review status: criteria provided, single submitter. Criteria: Natera Variant Classification Schema (03/2026). Collection method: clinical testing. Allele origin: germline. Not counted in ClinVar's aggregate classification.
Comment: The c.1048G>A variant in GAA is a missense variant predicted to cause substitution of valine to methionine at amino acid 350. This variant is rare in the general population with a frequency below the threshold expected for the associated phenotype(s). This variant has been observed in one or more individuals affected with the associated recessive disease, as either homozygous or compound heterozygous with a second variant (PMID: 34995642, 25451853, 36246652). Functional studies show that this variant may disrupt protein function (PMID: 36246652). Computational prediction algorithms indicate this variant is likely to affect gene or protein function. Given the available evidence, this variant is classified as Likely Pathogenic.

Revvity Omics, Revvity
Classification: Uncertain significance. Last evaluated: 2025-04-07. Review status: criteria provided, single submitter. Criteria: ACMG Guidelines, 2015. Collection method: clinical testing. Allele origin: germline. Not counted in ClinVar's aggregate classification.

Blueprint Genetics
Classification: Likely pathogenic for GAA-related disorders. Last evaluated: 2024-10-31. Review status: criteria provided, single submitter. Criteria: ACMG Guidelines, 2015. Collection method: clinical testing. Allele origin: germline. Affected: yes. Observed: 5 variant alleles. Not counted in ClinVar's aggregate classification.

Women's Health and Genetics/Laboratory Corporation of America, LabCorp
Classification: Likely pathogenic for Glycogen storage disease, type II. Last evaluated: 2024-05-30. Review status: criteria provided, single submitter. Criteria: LabCorp Variant Classification Summary - May 2015. Collection method: clinical testing. Allele origin: germline. Not counted in ClinVar's aggregate classification.
Comment: Variant summary: GAA c.1048G>A (p.Val350Met) results in a conservative amino acid change in the encoded protein sequence. Four of five in-silico tools predict a damaging effect of the variant on protein function. The variant allele was found at a frequency of 9.6e-05 in 251022 control chromosomes (gnomAD). This frequency is not significantly higher than estimated for a pathogenic variant in GAA causing Late Onset Pompe Disease (9.6e-05 vs 0.0042), allowing no conclusion about variant significance. c.1048G>A has been reported in the literature in infants with indications of Late Onset Pompe Disease via newborn screening who were compound heterozygous with pathogenic variants (e.g. Lee_2022, Goomber_2022). These data indicate that the variant may be associated with disease. At least one publication reports experimental evidence evaluating an impact on protein function, finding that the variant results in 1.5% of wild type GAA enzyme activity (Goomber_2022). The following publications have been ascertained in the context of this evaluation (PMID: 23430949, 24627108, 30155607, 33073007, 25786784, 25451853, 34995642, 36246652, 36310651). ClinVar contains an entry for this variant (Variation ID: 555998). Based on the evidence outlined above, the variant was classified as likely pathogenic.

Mayo Clinic Laboratories, Mayo Clinic
Classification: Likely pathogenic. Last evaluated: 2024-02-08. Review status: criteria provided, single submitter. Criteria: ACMG Guidelines, 2015. Collection method: clinical testing. Allele origin: germline. Observed: 1 variant allele. Not counted in ClinVar's aggregate classification.
Comment: PP3, PP4_moderate, PM2, PM3, PS3_moderate

CeGaT Center for Human Genetics Tuebingen
Classification: Uncertain significance. Last evaluated: 2023-05-01. Review status: criteria provided, single submitter. Criteria: CeGaT Center For Human Genetics Tuebingen Variant Classification Criteria Version 2. Collection method: clinical testing. Allele origin: germline. Affected: yes. Observed: 1 variant allele. Not counted in ClinVar's aggregate classification.
Comment: GAA: PM2, PM3, PS3:Supporting

NM_000152.5(GAA):c.1048G>A (p.Val350Met)

Gene: GAA (alpha glucosidase; plus strand). Cytogenetic location: 17q25.3.
Variant type: single nucleotide variant.
Coding change: c.1048G>A on transcript NM_000152.5 (MANE Select); coding-DNA position 1048, G replaced by A.
Protein change: p.Val350Met; replaces valine 350 with methionine.
Molecular consequence: missense variant.
Genome position (GRCh38, 1-based): chr17:80,108,382, G>A. VCF-style: chr17-80108382-G-A. GRCh37 (hg19) VCF-style: chr17-78082181-G-A.
Other names: NM_000152.5(GAA):c.1048G>A; c.1048G>A, p.Val350Met (NM_001079803.3, NM_001079804.3); c.1048G>A (NM_000152.4, NM_001079803.2, LRG_673t1); short protein forms V350M.
Identifiers: ClinVar variation 555998 (VCV000555998.61), dbSNP rs200412003, ClinGen allele CA8815133.